The following is an entry in ClinVar:

NM_000138.5(FBN1):c.2303A>C (p.Glu768Ala)

Gene: FBN1 (fibrillin 1; minus strand). Cytogenetic location: 15q21.1.
Variant type: single nucleotide variant.
Coding change: c.2303A>C on transcript NM_000138.5 (MANE Select); coding-DNA position 2303, A replaced by C.
Protein change: p.Glu768Ala; replaces glutamic acid 768 with alanine.
Molecular consequence: missense variant.
Genome position (GRCh38, 1-based): chr15:48,496,216, T>G on the plus strand (A>C on the coding strand, the complement: FBN1 is on the minus strand). VCF-style: chr15-48496216-T-G. GRCh37 (hg19) VCF-style: chr15-48788413-T-G.
Other names: p.E768A:GAA>GCA; short protein forms E768A.
Identifiers: ClinVar variation 199994 (VCV000199994.7), dbSNP rs794728189, ClinGen allele CA012946.

ClinVar aggregate classification (germline): Conflicting classifications of pathogenicity. Review status: criteria provided, conflicting classifications (1 of 4 stars). 2 submissions from 2 submitters: Likely pathogenic (1); Uncertain significance (1). Last evaluated 2023-03-20.

Conditions:
Marfan syndrome (MFS). Also called: Marfan syndrome, classic; FBN1-Related Marfan Syndrome; Marfan syndrome type 1; Marfan's syndrome; MARFAN SYNDROME, TYPE I. Identifiers: Orphanet 284963, Orphanet 558, MedGen C0024796, MONDO:0007947, OMIM 154700.
Familial thoracic aortic aneurysm and aortic dissection (TAAD). Also called: Thoracic aortic aneurysms and dissections. Identifiers: Orphanet 91387, MedGen C4707243, MONDO:0019625.

Submissions (2):

Labcorp Genetics (formerly Invitae), Labcorp
Classification: Uncertain significance for Marfan syndrome; Familial thoracic aortic aneurysm and aortic dissection. Last evaluated: 2023-03-20. Review status: criteria provided, single submitter. Criteria: Invitae Variant Classification Sherloc (09022015). Collection method: clinical testing. Allele origin: germline.
Comment: This variant has not been reported in the literature in individuals affected with FBN1-related conditions. This sequence change replaces glutamic acid, which is acidic and polar, with alanine, which is neutral and non-polar, at codon 768 of the FBN1 protein (p.Glu768Ala). This variant is not present in population databases (gnomAD no frequency). ClinVar contains an entry for this variant (Variation ID: 199994). Advanced modeling of protein sequence and biophysical properties (such as structural, functional, and spatial information, amino acid conservation, physicochemical variation, residue mobility, and thermodynamic stability) performed at Invitae indicates that this missense variant is expected to disrupt FBN1 protein function. In summary, the available evidence is currently insufficient to determine the role of this variant in disease. Therefore, it has been classified as a Variant of Uncertain Significance.

GeneDx
Classification: Likely pathogenic. Last evaluated: 2022-04-20. Review status: criteria provided, single submitter. Criteria: GeneDx Variant Classification Process June 2021. Collection method: clinical testing. Allele origin: germline. Affected: yes.
Comment: Has not been previously published as pathogenic or benign to our knowledge; Not observed at significant frequency in large population cohorts (gnomAD); In silico analysis supports that this missense variant has a deleterious effect on protein structure/function